The following is an entry in ClinVar:

NM_005477.3(HCN4):c.566A>G (p.Lys189Arg)

Gene: HCN4 (hyperpolarization activated cyclic nucleotide gated potassium channel 4; minus strand). Cytogenetic location: 15q24.1.
Variant type: single nucleotide variant.
Coding change: c.566A>G on transcript NM_005477.3 (MANE Select); coding-DNA position 566, A replaced by G.
Protein change: p.Lys189Arg; replaces lysine 189 with arginine.
Molecular consequence: missense variant.
Genome position (GRCh38, 1-based): chr15:73,367,705, T>C on the plus strand (A>G on the coding strand, the complement: HCN4 is on the minus strand). VCF-style: chr15-73367705-T-C. GRCh37 (hg19) VCF-style: chr15-73660046-T-C.
Other names: c.566A>G (NM_005477.2); short protein forms K189R.
Identifiers: ClinVar variation 2066925 (VCV002066925.7), dbSNP rs777285476, ClinGen allele CA7649459.

ClinVar aggregate classification (germline): Uncertain significance. Review status: criteria provided, multiple submitters, no conflicts (2 of 4 stars). 4 submissions from 4 submitters: Uncertain significance (4). Last evaluated 2025-12-08.

Conditions:
Brugada syndrome 8 (BRGDA8). Identifiers: Orphanet 130, MedGen C2751083, MONDO:0013148, OMIM 613123.
Cardiovascular phenotype. Identifiers: MedGen CN230736.

Allele frequency attached by ClinVar (database versions not stated): ExAC 0.00001; gnomAD 0.00001; TOPMed 0.00001; gnomAD exomes 0.00002.
gnomAD v4.1: 13 of 1,598,876 alleles (0.00081%); highest among the groups gnomAD compares: Non-Finnish European, 0.0011%; no homozygotes.

Submissions (4):

Labcorp Genetics (formerly Invitae), Labcorp
Classification: Uncertain significance for Brugada syndrome 8. Last evaluated: 2025-12-08. Review status: criteria provided, single submitter. Criteria: Invitae Variant Classification Sherloc (09022015). Collection method: clinical testing. Allele origin: germline.
Comment: This sequence change replaces lysine, which is basic and polar, with arginine, which is basic and polar, at codon 189 of the HCN4 protein (p.Lys189Arg). This variant is present in population databases (rs777285476, gnomAD 0.003%). This missense change has been observed in individual(s) with clinical features of HCN4-related conditions (PMID: 24607718). ClinVar contains an entry for this variant (Variation ID: 2066925). Invitae Evidence Modeling of protein sequence and biophysical properties (such as structural, functional, and spatial information, amino acid conservation, physicochemical variation, residue mobility, and thermodynamic stability) indicates that this missense variant is not expected to disrupt HCN4 protein function with a negative predictive value of 95%. Experimental studies have shown that this missense change does not substantially affect HCN4 function (PMID: 24607718). In summary, the available evidence is currently insufficient to determine the role of this variant in disease. Therefore, it has been classified as a Variant of Uncertain Significance.

Molecular Diagnostic Laboratory for Inherited Cardiovascular Disease, Montreal Heart Institute
Classification: Uncertain significance for Cardiovascular phenotype. Last evaluated: 2025-04-09. Review status: criteria provided, single submitter. Criteria: ACMG Guidelines, 2015. Collection method: clinical testing. Allele origin: germline. Affected: yes.
Comment: PM2, BS3_supp

Ambry Genetics
Classification: Uncertain significance for Cardiovascular phenotype. Last evaluated: 2024-12-04. Review status: criteria provided, single submitter. Criteria: Ambry Variant Classification Scheme 2023. Collection method: clinical testing. Allele origin: germline.
Comment: The p.K189R variant (also known as c.566A>G), located in coding exon 1 of the HCN4 gene, results from an A to G substitution at nucleotide position 566. The lysine at codon 189 is replaced by arginine, an amino acid with highly similar properties. This variant was reported in individual(s) with features consistent with early-onset atrial fibrillation (Macri V et al. Heart Rhythm, 2014 Jun;11:1055-1062). This amino acid position is highly conserved in available vertebrate species. In addition, the in silico prediction for this alteration is inconclusive. Based on the available evidence, the clinical significance of this variant remains unclear.

Blueprint Genetics
Classification: Uncertain significance. Last evaluated: 2024-10-24. Review status: criteria provided, single submitter. Criteria: ACMG Guidelines, 2015. Collection method: clinical testing. Allele origin: germline.

Literature cited by the submitters: PubMed 24607718 (cited by Labcorp Genetics (formerly Invitae), Labcorp and Ambry Genetics).